The following is an entry in ClinVar:

NM_014000.3(VCL):c.1801G>A (p.Asp601Asn)

Gene: VCL (vinculin; plus strand). Cytogenetic location: 10q22.2.
Variant type: single nucleotide variant.
Coding change: c.1801G>A on transcript NM_014000.3 (MANE Select); coding-DNA position 1801, G replaced by A.
Protein change: p.Asp601Asn; replaces aspartic acid 601 with asparagine.
Molecular consequence: missense variant.
Genome position (GRCh38, 1-based): chr10:74,097,261, G>A. VCF-style: chr10-74097261-G-A. GRCh37 (hg19) VCF-style: chr10-75857019-G-A.
Other names: c.1801G>A, p.Asp601Asn (NM_003373.4); short protein forms D601N.
Identifiers: ClinVar variation 1780415 (VCV001780415.4), dbSNP rs1839983950, ClinGen allele CA377276654.

ClinVar aggregate classification (germline): Uncertain significance. Review status: criteria provided, multiple submitters, no conflicts (2 of 4 stars). 2 submissions from 2 submitters: Uncertain significance (2). Last evaluated 2022-06-22.

Conditions:
Cardiovascular phenotype. Identifiers: MedGen CN230736.
Dilated cardiomyopathy 1W (CMD1W). Identifiers: Orphanet 154, MedGen C1969639, MONDO:0012667, OMIM 611407.

Allele frequency attached by ClinVar (database versions not stated): gnomAD 0.00001.
gnomAD v4.1: 2 of 1,613,970 alleles (0.00012%); no homozygotes.

Submissions (2):

Labcorp Genetics (formerly Invitae), Labcorp
Classification: Uncertain significance for Dilated cardiomyopathy 1W. Last evaluated: 2022-06-22. Review status: criteria provided, single submitter. Criteria: Invitae Variant Classification Sherloc (09022015). Collection method: clinical testing. Allele origin: germline.
Comment: This sequence change replaces aspartic acid, which is acidic and polar, with asparagine, which is neutral and polar, at codon 601 of the VCL protein (p.Asp601Asn). This variant is not present in population databases (gnomAD no frequency). This variant has not been reported in the literature in individuals affected with VCL-related conditions. Algorithms developed to predict the effect of missense changes on protein structure and function are either unavailable or do not agree on the potential impact of this missense change (SIFT: "Not Available"; PolyPhen-2: "Probably Damaging"; Align-GVGD: "Not Available"). In summary, the available evidence is currently insufficient to determine the role of this variant in disease. Therefore, it has been classified as a Variant of Uncertain Significance.

Ambry Genetics
Classification: Uncertain significance for Cardiovascular phenotype. Last evaluated: 2021-06-07. Review status: criteria provided, single submitter. Criteria: Ambry Variant Classification Scheme 2023. Collection method: clinical testing. Allele origin: germline.
Comment: The p.D601N variant (also known as c.1801G>A), located in coding exon 13 of the VCL gene, results from a G to A substitution at nucleotide position 1801. The aspartic acid at codon 601 is replaced by asparagine, an amino acid with highly similar properties. This amino acid position is highly conserved in available vertebrate species. In addition, this alteration is predicted to be tolerated by in silico analysis. Since supporting evidence is limited at this time, the clinical significance of this alteration remains unclear.